The following is an entry in ClinVar:

ClinVar aggregate classification (germline): Uncertain significance (1 of 4 stars; one submission).

Conditions:
Neuropathy, hereditary sensory and autonomic, type 2A (HSAN2A). Also called: MORVAN DISEASE; NEUROPATHY, CONGENITAL SENSORY; NEUROPATHY, HEREDITARY SENSORY RADICULAR, AUTOSOMAL RECESSIVE; NEUROPATHY, HEREDITARY SENSORY, TYPE IIA; NEUROPATHY, PROGRESSIVE SENSORY, OF CHILDREN; HSAN IIA. Identifiers: Orphanet 970, MedGen C2752089, MONDO:0024309, OMIM 201300.
Generalized epilepsy with febrile seizures plus, type 7 (GEFSP7). Also called: GEFS+, TYPE 7. Identifiers: Orphanet 36387, MedGen C2751778, MONDO:0013470, OMIM 613863.

Submission:

Labcorp Genetics (formerly Invitae), Labcorp
Classification: Uncertain significance for Neuropathy, hereditary sensory and autonomic, type 2A; Generalized epilepsy with febrile seizures plus, type 7. Last evaluated: 2022-03-14. Review status: criteria provided, single submitter. Criteria: Invitae Variant Classification Sherloc (09022015). Collection method: clinical testing. Allele origin: germline.
Comment: In summary, the available evidence is currently insufficient to determine the role of this variant in disease. Therefore, it has been classified as a Variant of Uncertain Significance. Algorithms developed to predict the effect of missense changes on protein structure and function are either unavailable or do not agree on the potential impact of this missense change (SIFT: "Deleterious"; PolyPhen-2: "Benign"; Align-GVGD: "Class C0"). This variant has not been reported in the literature in individuals affected with SCN9A-related conditions. This variant is not present in population databases (gnomAD no frequency). This sequence change replaces aspartic acid, which is acidic and polar, with glycine, which is neutral and non-polar, at codon 42 of the SCN9A protein (p.Asp42Gly).

NM_001365536.1(SCN9A):c.125A>G (p.Asp42Gly)

Gene: SCN9A (sodium voltage-gated channel alpha subunit 9; minus strand). Cytogenetic location: 2q24.3.
Variant type: single nucleotide variant.
Coding change: c.125A>G on transcript NM_001365536.1 (MANE Select); coding-DNA position 125, A replaced by G.
Protein change: p.Asp42Gly; replaces aspartic acid 42 with glycine.
Molecular consequence: missense variant.
Genome position (GRCh38, 1-based): chr2:166,311,632, T>C on the plus strand (A>G on the coding strand, the complement: SCN9A is on the minus strand). VCF-style: chr2-166311632-T-C. GRCh37 (hg19) VCF-style: chr2-167168142-T-C.
Other names: c.125A>G, p.Asp42Gly (NM_002977.4); short protein forms D42G.
Identifiers: ClinVar variation 2112088 (VCV002112088.4), dbSNP rs373650798, ClinGen allele CA349096052.
Genomic context (GRCh38, chr2:166,311,632, plus strand): 5'-ATGAAGGGCAGCTGTTTGCCAGCTTCCAAGTCACTGCTTGGCTTTGGGGCTTCTTCATCA[T>C]CATCTTTCTTTTCTTCTTTGGGTTCCTTTGATTTTCTTTCAGCAATGCGTTGTTCAATGA-3'
Protein context (NP_001352465.1, residues 32-52): SKEPKEEKKD[Asp42Gly]DEEAPKPSSD